The following is an entry in ClinVar:

ClinVar aggregate classification (germline): Likely pathogenic (1 of 4 stars; one submission).

Conditions:
Tolchin-Le Caignec syndrome. Also called: INTELLECTUAL DEVELOPMENTAL DISORDER WITH BEHAVIORAL ABNORMALITIES AND VARIABLE BONE DEFECTS. Identifiers: MedGen C5436509, MONDO:0033544, OMIM 618971.

Submission:

Juno Genomics, Hangzhou Juno Genomics, Inc
Classification: Likely pathogenic for Tolchin-Le Caignec syndrome. Review status: criteria provided, single submitter. Criteria: ACMG Guidelines, 2015. Collection method: clinical testing. Allele origin: germline. Affected: yes.
Comment: Null variant in a gene where loss of function (LOF) is a known mechanism of disease.;Absent from controls (or at extremely low frequency if recessive) in Genome Aggregation Database, Exome Sequencing Project, 1000 Genomes Project, or Exome Aggregation Consortium.

NM_001367873.1(SOX6):c.1420del (p.Arg474fs)

Gene: SOX6 (SRY-box transcription factor 6; minus strand). Cytogenetic location: 11p15.2.
Variant type: Deletion.
Coding change: c.1420del on transcript NM_001367873.1 (MANE Select); coding-DNA position 1420, one base deleted (A; older notation c.1420delA).
Protein change: p.Arg474fs; shifts the reading frame from arginine 474.
Molecular consequence: frameshift variant.
Genome position (GRCh38, 1-based): chr11:16,049,770, T deleted on the plus strand (A on the coding strand, the reverse complement: SOX6 is on the minus strand); the first of 2 consecutive T bases (chr11:16,049,770-16,049,771); deleting either gives the same sequence. VCF-style (leftmost placement, unchanged base first): chr11-16049769-CT-C. GRCh37 (hg19) VCF-style: chr11-16071315-CT-C.
Other names: c.1297del, p.Arg433fs (NM_001145811.2, NM_001367872.1, NM_017508.3); c.1420del, p.Arg474fs (NM_001145819.2, NM_033326.3); short protein forms R433fs, R474fs.
Identifiers: ClinVar variation 3382972 (VCV003382972.2).